The following is an entry in ClinVar:

NM_000018.4(ACADVL):c.770A>T (p.Asp257Val)

Gene: ACADVL (acyl-CoA dehydrogenase very long chain; plus strand). Cytogenetic location: 17p13.1.
Variant type: single nucleotide variant.
Coding change: c.770A>T on transcript NM_000018.4 (MANE Select); coding-DNA position 770, A replaced by T.
Protein change: p.Asp257Val; replaces aspartic acid 257 with valine.
Molecular consequence: missense variant.
Genome position (GRCh38, 1-based): chr17:7,222,194, A>T. VCF-style: chr17-7222194-A-T. GRCh37 (hg19) VCF-style: chr17-7125513-A-T.
Other names: c.704A>T, p.Asp235Val (NM_001033859.3); c.839A>T, p.Asp280Val (NM_001270447.2); c.542A>T, p.Asp181Val (NM_001270448.2); short protein forms D181V, D235V, D257V, D280V.
Identifiers: ClinVar variation 994245 (VCV000994245.8), dbSNP rs2071264623, ClinGen allele CA397723653.
Genomic context (GRCh38, chr17:7,222,194, plus strand): 5'-TGCTCCCCGTCCTCCACGCCCTGAATATCCCATTCTTCCACAGTAATGGGGGCCTAGCAG[A>T]CATCTTCACGGTCTTTGCCAAGACACCAGTTACAGATCCAGCCACAGGAGCCGTGAAGGA-3'
Protein context (NP_000009.1, residues 247-267): KLWISNGGLA[Asp257Val]IFTVFAKTPV

ClinVar aggregate classification (germline): Uncertain significance (1 of 4 stars; one submission).

Conditions:
Very long chain acyl-CoA dehydrogenase deficiency (ACADVLD). Also called: Very Long-Chain Acyl-Coenzyme A Dehydrogenase Deficiency; VLCAD Deficiency. Identifiers: Orphanet 26793, MedGen C3887523, MONDO:0008723, OMIM 201475.

Submission:

ARUP Laboratories, Molecular Genetics and Genomics, ARUP Laboratories
Classification: Uncertain significance for Very long chain acyl-CoA dehydrogenase deficiency. Last evaluated: 2020-02-07. Review status: criteria provided, single submitter. Criteria: ARUP Molecular Germline Variant Investigation Process. Collection method: clinical testing. Allele origin: germline.
Comment: The ACADVL c.770A>T; p.Asp257Val variant, to our knowledge, is not reported in the medical literature or gene specific databases. This variant is also absent from general population databases (Exome Variant Server, Genome Aggregation Database), indicating it is not a common polymorphism. The aspartate at codon 257 is moderately conserved, and computational analyses (SIFT, PolyPhen-2) predict that this variant may be deleterious. However, given the lack of clinical and functional data, the significance of this variant is uncertain at this time.